The following is an entry in ClinVar:

ClinVar aggregate classification (germline): Uncertain significance (1 of 4 stars; one submission).

Allele frequency attached by ClinVar (database versions not stated): gnomAD exomes 0.00003 and 0.00013; gnomAD 0.00006 and 0.00007; TOPMed 0.00008; ExAC 0.00009.
gnomAD v4.1: 49 of 1,604,844 alleles (0.0031%); highest among the groups gnomAD compares: East Asian, 0.096%; no homozygotes.

Submission:

Labcorp Genetics (formerly Invitae), Labcorp
Classification: Uncertain significance. Last evaluated: 2024-12-02. Review status: criteria provided, single submitter. Criteria: Invitae Variant Classification Sherloc (09022015). Collection method: clinical testing. Allele origin: germline.
Comment: This sequence change replaces histidine, which is basic and polar, with tyrosine, which is neutral and polar, at codon 452 of the CCDC88A protein (p.His452Tyr). This variant is present in population databases (rs779975154, gnomAD 0.2%). This variant has not been reported in the literature in individuals affected with CCDC88A-related conditions. ClinVar contains an entry for this variant (Variation ID: 1414259). An algorithm developed to predict the effect of missense changes on protein structure and function (PolyPhen-2) suggests that this variant¬†is likely to be tolerated. In summary, the available evidence is currently insufficient to determine the role of this variant in disease. Therefore, it has been classified as a Variant of Uncertain Significance.

NM_001365480.1(CCDC88A):c.1354C>T (p.His452Tyr)

Gene: CCDC88A (coiled-coil domain containing 88A; minus strand). Cytogenetic location: 2p16.1.
Variant type: single nucleotide variant.
Coding change: c.1354C>T on transcript NM_001365480.1 (MANE Select); coding-DNA position 1354, C replaced by T.
Protein change: p.His452Tyr; replaces histidine 452 with tyrosine.
Molecular consequence: missense variant.
Genome position (GRCh38, 1-based): chr2:55,339,628, G>A on the plus strand (C>T on the coding strand, the complement: CCDC88A is on the minus strand). VCF-style: chr2-55339628-G-A. GRCh37 (hg19) VCF-style: chr2-55566764-G-A.
Other names: c.1354C>T, p.His452Tyr (NM_001135597.2, NM_001254943.2, NM_018084.5); short protein forms H452Y.
Identifiers: ClinVar variation 1414259 (VCV001414259.6), dbSNP rs779975154, ClinGen allele CA1666162.